The following is an entry in ClinVar:

NM_006440.5(TXNRD2):c.1559C>G (p.Thr520Arg)

Gene: TXNRD2 (thioredoxin reductase 2; minus strand). Cytogenetic location: 22q11.21.
Variant type: single nucleotide variant.
Coding change: c.1559C>G on transcript NM_006440.5 (MANE Select); coding-DNA position 1559, C replaced by G.
Protein change: p.Thr520Arg; replaces threonine 520 with arginine.
Molecular consequence: missense variant. On other transcripts: non-coding transcript variant (1).
Genome position (GRCh38, 1-based): chr22:19,877,121, G>C on the plus strand (C>G on the coding strand, the complement: TXNRD2 is on the minus strand). VCF-style: chr22-19877121-G-C. GRCh37 (hg19) VCF-style: chr22-19864644-G-C.
Other names: c.1556C>G, p.Thr519Arg (NM_001352300.2); c.1469C>G, p.Thr490Arg (NM_001352301.2); c.1271C>G, p.Thr424Arg (NM_001352302.2); short protein forms T490R, T424R, T519R, T520R.
Identifiers: ClinVar variation 958732 (VCV000958732.16), dbSNP rs774708598, ClinGen allele CA10103594.

ClinVar aggregate classification (germline): Uncertain significance. Review status: criteria provided, multiple submitters, no conflicts (2 of 4 stars). 3 submissions from 3 submitters: Uncertain significance (3). Last evaluated 2025-12-29.

Conditions:
Cardiovascular phenotype. Identifiers: MedGen CN230736.
Primary dilated cardiomyopathy (DCM). Also called: Dilated Cardiomyopathy. Identifiers: Orphanet 217604, MedGen C0007193, MeSH D002311, MONDO:0005021, HP:0001644. Inheritance: Various modes of inheritance.

Allele frequency attached by ClinVar (database versions not stated): ExAC 0.00001; gnomAD exomes 0.00003; TOPMed 0.00005; gnomAD 0.00006.
gnomAD v4.1: 129 of 1,599,992 alleles (0.0081%); highest among the groups gnomAD compares: Non-Finnish European, 0.011%; no homozygotes.

Submissions (3):

Labcorp Genetics (formerly Invitae), Labcorp
Classification: Uncertain significance for Primary dilated cardiomyopathy. Last evaluated: 2025-12-29. Review status: criteria provided, single submitter. Criteria: Invitae Variant Classification Sherloc (09022015). Collection method: clinical testing. Allele origin: germline.
Comment: This sequence change replaces threonine, which is neutral and polar, with arginine, which is basic and polar, at codon 520 of the TXNRD2 protein (p.Thr520Arg). This variant is present in population databases (rs774708598, gnomAD 0.006%). This variant has not been reported in the literature in individuals affected with TXNRD2-related conditions. ClinVar contains an entry for this variant (Variation ID: 958732). An algorithm developed to predict the effect of missense changes on protein structure and function (PolyPhen-2) suggests that this variant is likely to be disruptive. Algorithms developed to predict the effect of sequence changes on RNA splicing suggest that this variant may create or strengthen a splice site. In summary, the available evidence is currently insufficient to determine the role of this variant in disease. Therefore, it has been classified as a Variant of Uncertain Significance.

Ambry Genetics
Classification: Uncertain significance for Cardiovascular phenotype. Last evaluated: 2025-06-22. Review status: criteria provided, single submitter. Criteria: Ambry Variant Classification Scheme 2023. Collection method: clinical testing. Allele origin: germline.
Comment: The p.T520R variant (also known as c.1559C>G), located in coding exon 17 of the TXNRD2 gene, results from a C to G substitution at nucleotide position 1559. The threonine at codon 520 is replaced by arginine, an amino acid with similar properties. This amino acid position is conserved. In addition, this alteration is predicted to be deleterious by in silico analysis. Since supporting evidence is limited at this time, the clinical significance of this alteration remains unclear.

GeneDx
Classification: Uncertain significance. Last evaluated: 2022-06-09. Review status: criteria provided, single submitter. Criteria: GeneDx Variant Classification Process June 2021. Collection method: clinical testing. Allele origin: germline. Affected: yes.
Comment: Has not been previously published as pathogenic or benign to our knowledge; In silico analysis supports that this missense variant does not alter protein structure/function